The following is an entry in ClinVar:

ClinVar aggregate classification (germline): Likely benign (1 of 4 stars; one submission).

Allele frequency attached by ClinVar (database versions not stated): gnomAD 0.00002; TOPMed 0.00002; gnomAD exomes 0.00003; ExAC 0.00004.

Submission:

CeGaT Center for Human Genetics Tuebingen
Classification: Likely benign. Last evaluated: 2022-11-01. Review status: criteria provided, single submitter. Criteria: CeGaT Center For Human Genetics Tuebingen Variant Classification Criteria Version 2. Collection method: clinical testing. Allele origin: germline. Affected: yes. Observed: 1 variant allele.
Comment: TTBK1: BP4, BP7

NM_032538.3(TTBK1):c.576C>T (p.Pro192=)

Gene: TTBK1 (tau tubulin kinase 1; plus strand). Cytogenetic location: 6p21.1.
Variant type: single nucleotide variant.
Coding change: c.576C>T on transcript NM_032538.3 (MANE Select); coding-DNA position 576, C replaced by T.
Protein change: p.Pro192=; no amino-acid change (proline 192 retained).
Molecular consequence: synonymous variant.
Genome position (GRCh38, 1-based): chr6:43,254,651, C>T. VCF-style: chr6-43254651-C-T. GRCh37 (hg19) VCF-style: chr6-43222389-C-T.
Identifiers: ClinVar variation 2656589 (VCV002656589.24), dbSNP rs757665543, ClinGen allele CA3819334.